The following is an entry in ClinVar:

ClinVar aggregate classification (germline): Uncertain significance (1 of 4 stars; one submission).

gnomAD v4.1: 2 of 1,388,352 alleles (0.00014%); highest among the groups gnomAD compares: Non-Finnish European, 0.00018%; no homozygotes.

Submission:

Labcorp Genetics (formerly Invitae), Labcorp
Classification: Uncertain significance. Last evaluated: 2025-03-23. Review status: criteria provided, single submitter. Criteria: Invitae Variant Classification Sherloc (09022015). Collection method: clinical testing. Allele origin: germline.
Comment: This sequence change replaces glycine, which is neutral and non-polar, with valine, which is neutral and non-polar, at codon 221 of the CDK13 protein (p.Gly221Val). This variant is not present in population databases (gnomAD no frequency). This variant has not been reported in the literature in individuals affected with CDK13-related conditions. Invitae Evidence Modeling of protein sequence and biophysical properties (such as structural, functional, and spatial information, amino acid conservation, physicochemical variation, residue mobility, and thermodynamic stability) indicates that this missense variant is not expected to disrupt CDK13 protein function with a negative predictive value of 95%. In summary, the available evidence is currently insufficient to determine the role of this variant in disease. Therefore, it has been classified as a Variant of Uncertain Significance.

NM_003718.5(CDK13):c.662G>T (p.Gly221Val)

Gene: CDK13 (cyclin dependent kinase 13; plus strand). Cytogenetic location: 7p14.1.
Variant type: single nucleotide variant.
Coding change: c.662G>T on transcript NM_003718.5 (MANE Select); coding-DNA position 662, G replaced by T.
Protein change: p.Gly221Val; replaces glycine 221 with valine.
Molecular consequence: missense variant.
Genome position (GRCh38, 1-based): chr7:39,951,303, G>T. VCF-style: chr7-39951303-G-T. GRCh37 (hg19) VCF-style: chr7-39990902-G-T.
Other names: c.662G>T, p.Gly221Val (NM_031267.4); short protein forms G221V.
Identifiers: ClinVar variation 3718058 (VCV003718058.2).
Genomic context (GRCh38, chr7:39,951,303, plus strand): 5'-ACCGCCGCAGCAGCAGTGGCCGCAGCAAGGAGCGCCACCGCGAGCACCGGCGGCGGGATG[G>T]GCAGCGCGGTGGCAGCGAGGCCTCCAAGTCCCGCAGCCGCCACAGCCACAGCGGCGAGGA-3'
Protein context (NP_003709.3, residues 211-231): ERHREHRRRD[Gly221Val]QRGGSEASKS